The following is an entry in ClinVar:

NM_152703.5(SAMD9L):c.4745A>T (p.Glu1582Val)

Gene: SAMD9L (sterile alpha motif domain containing 9 like; minus strand). Cytogenetic location: 7q21.2.
Variant type: single nucleotide variant.
Coding change: c.4745A>T on transcript NM_152703.5 (MANE Select); coding-DNA position 4745, A replaced by T.
Protein change: p.Glu1582Val; replaces glutamic acid 1582 with valine.
Molecular consequence: missense variant.
Genome position (GRCh38, 1-based): chr7:93,131,227, T>A on the plus strand (A>T on the coding strand, the complement: SAMD9L is on the minus strand). VCF-style: chr7-93131227-T-A. GRCh37 (hg19) VCF-style: chr7-92760540-T-A.
Other names: c.4745A>T, p.Glu1582Val (NM_001303496.3, NM_001303497.3, NM_001303498.3 and 5 more transcripts); short protein forms E1582V.
Identifiers: ClinVar variation 4863908 (VCV004863908.1).

ClinVar aggregate classification (germline): Uncertain significance (1 of 4 stars; one submission).

Conditions:
Inborn genetic diseases. Identifiers: MedGen C0950123, MeSH D030342.

Submission:

Ambry Genetics
Classification: Uncertain significance for Inborn genetic diseases. Last evaluated: 2026-03-23. Review status: criteria provided, single submitter. Criteria: Ambry Variant Classification Scheme 2023. Collection method: clinical testing. Allele origin: germline.
Comment: The p.E1582V variant (also known as c.4745A>T), located in coding exon 1 of the SAMD9L gene, results from an A to T substitution at nucleotide position 4745. The glutamic acid at codon 1582 is replaced by valine, an amino acid with dissimilar properties. This amino acid position is conserved. In addition, this alteration is predicted to be tolerated by in silico analysis. Based on the available evidence, the clinical significance of this variant remains unclear.